The following is an entry in ClinVar:

NM_006277.3(ITSN2):c.443A>G (p.Asn148Ser)

Gene: ITSN2 (intersectin 2; minus strand). Cytogenetic location: 2p23.3.
Variant type: single nucleotide variant.
Coding change: c.443A>G on transcript NM_006277.3 (MANE Select); coding-DNA position 443, A replaced by G.
Protein change: p.Asn148Ser; replaces asparagine 148 with serine.
Molecular consequence: missense variant.
Genome position (GRCh38, 1-based): chr2:24,310,602, T>C on the plus strand (A>G on the coding strand, the complement: ITSN2 is on the minus strand). VCF-style: chr2-24310602-T-C. GRCh37 (hg19) VCF-style: chr2-24533471-T-C.
Other names: c.401A>G, p.Asn134Ser (NM_001348181.2, NM_001348184.2); c.443A>G, p.Asn148Ser (NM_001348182.2, NM_001348183.2, NM_001348185.2 and 3 more transcripts); short protein forms N134S, N148S.
Identifiers: ClinVar variation 2634580 (VCV002634580.7), dbSNP rs150905984, ClinGen allele CA1551767.

ClinVar aggregate classification (germline): Conflicting classifications of pathogenicity. Review status: criteria provided, conflicting classifications (1 of 4 stars). 3 submissions from 3 submitters: Uncertain significance (1); Likely benign (1). 1 of the submissions does not count toward it. Last evaluated 2024-05-01.

Conditions:
ITSN2-related disorder. Also called: ITSN2-related condition.

Allele frequency attached by ClinVar (database versions not stated): ESP Exome Variant Server 0.00008; ExAC 0.00010; TOPMed 0.00012; gnomAD 0.00014; 1000 Genomes Project 30x 0.00016; 1000 Genomes Project 0.00020.

Submissions (3):

Labcorp Genetics (formerly Invitae), Labcorp
Classification: Uncertain significance. Last evaluated: 2024-05-01. Review status: criteria provided, single submitter. Criteria: Invitae Variant Classification Sherloc (09022015). Collection method: clinical testing. Allele origin: germline.
Comment: This sequence change replaces asparagine, which is neutral and polar, with serine, which is neutral and polar, at codon 148 of the ITSN2 protein (p.Asn148Ser). This variant is present in population databases (rs150905984, gnomAD 0.02%). This variant has not been reported in the literature in individuals affected with ITSN2-related conditions. ClinVar contains an entry for this variant (Variation ID: 2634580). Algorithms developed to predict the effect of missense changes on protein structure and function output the following: SIFT: "Not Available"; PolyPhen-2: "Benign"; Align-GVGD: "Not Available". The serine amino acid residue is found in multiple mammalian species, which suggests that this missense change does not adversely affect protein function. In summary, the available evidence is currently insufficient to determine the role of this variant in disease. Therefore, it has been classified as a Variant of Uncertain Significance.

Ambry Genetics
Classification: Likely benign. Last evaluated: 2024-01-03. Review status: criteria provided, single submitter. Criteria: Ambry Variant Classification Scheme 2023. Collection method: clinical testing. Allele origin: germline.

PreventionGenetics, part of Exact Sciences
Classification: Uncertain significance for ITSN2-related condition. Last evaluated: 2024-02-14. Review status: no assertion criteria provided. Collection method: clinical testing. Allele origin: germline. Not counted in ClinVar's aggregate classification.
Comment: The ITSN2 c.443A>G variant is predicted to result in the amino acid substitution p.Asn148Ser. To our knowledge, this variant has not been reported in the literature. This variant is reported in 0.020% of alleles in individuals of European (Non-Finnish) descent in gnomAD. At this time, the clinical significance of this variant is uncertain due to the absence of conclusive functional and genetic evidence.